The following is an entry in ClinVar:

NM_001184.4(ATR):c.4238C>T (p.Ala1413Val)

Gene: ATR (ATR serine/threonine kinase; minus strand). Cytogenetic location: 3q23.
Variant type: single nucleotide variant.
Coding change: c.4238C>T on transcript NM_001184.4 (MANE Select); coding-DNA position 4238, C replaced by T.
Protein change: p.Ala1413Val; replaces alanine 1413 with valine.
Molecular consequence: missense variant.
Genome position (GRCh38, 1-based): chr3:142,522,756, G>A on the plus strand (C>T on the coding strand, the complement: ATR is on the minus strand). VCF-style: chr3-142522756-G-A. GRCh37 (hg19) VCF-style: chr3-142241598-G-A.
Other names: c.4046C>T, p.Ala1349Val (NM_001354579.2); short protein forms A1349V, A1413V.
Identifiers: ClinVar variation 3460896 (VCV003460896.1).

ClinVar aggregate classification (germline): Uncertain significance (1 of 4 stars; one submission).

Conditions:
Inborn genetic diseases. Identifiers: MedGen C0950123, MeSH D030342.

Submission:

Ambry Genetics
Classification: Uncertain significance for Inborn genetic diseases. Last evaluated: 2024-08-21. Review status: criteria provided, single submitter. Criteria: Ambry Variant Classification Scheme 2023. Collection method: clinical testing. Allele origin: germline.
Comment: The p.A1413V variant (also known as c.4238C>T), located in coding exon 23 of the ATR gene, results from a C to T substitution at nucleotide position 4238. The alanine at codon 1413 is replaced by valine, an amino acid with similar properties. This amino acid position is conserved. In addition, this alteration is predicted to be tolerated by in silico analysis. Based on the available evidence, the clinical significance of this variant remains unclear.